The following is an entry in ClinVar:

NC_000009.11:g.(126129966_126132386)_126133028del

Gene: CRB2 (crumbs cell polarity complex component 2; plus strand). Cytogenetic location: 9q33.3.
Variant type: Deletion.
Identifiers: ClinVar variation 4537205 (VCV004537205.1).

ClinVar aggregate classification (germline): Likely pathogenic (1 of 4 stars; one submission).

Conditions:
Focal segmental glomerulosclerosis 9 (FSGS9). Identifiers: Orphanet 656, MedGen C4015555, MONDO:0014539, OMIM 616220.

Submission:

Women's Health and Genetics/Laboratory Corporation of America, LabCorp
Classification: Likely pathogenic for Focal segmental glomerulosclerosis 9. Last evaluated: 2025-11-25. Review status: criteria provided, single submitter. Criteria: LabCorp Variant Classification Summary - May 2015. Collection method: clinical testing. Allele origin: germline.
Comment: Variant summary: The variant involves the partial deletion of exon 7 in the CRB2 gene. A presumed nomenclature of c.(1054+1_1055-1)_1696del has been designated for the purposes of this classification. This CNV spans a canonical splice-site and therefore predicted to result in loss-of-function. Loss-of-function variants in this gene are known to be pathogenic. The variant allele was found at a frequency of 2.5e-05 in 120780 control chromosomes in the gnomAD database (Structural Variants v4.1 dataset). To our knowledge, no occurrence of c.(1054+1_1055-1)_1696del in individuals affected with CRB2-related conditions and no experimental evidence demonstrating its impact on protein function have been reported. ClinVar contains an entry for this variant (Variation ID: 3245401). Based on the evidence outlined above, the variant was classified as likely pathogenic.